The following is an entry in ClinVar:

ClinVar aggregate classification (germline): Likely pathogenic (1 of 4 stars; one submission).

Submission:

GeneDx
Classification: Likely pathogenic. Last evaluated: 2016-04-25. Review status: criteria provided, single submitter. Criteria: GeneDx Variant Classification (06012015). Collection method: clinical testing. Allele origin: germline. Affected: yes.
Comment: The G15R variant in the ACTG1 gene has not been reported previously as a pathogenic variant, nor as a benign variant, to our knowledge. The G15R variant was not observed in approximately 6500 individuals of European and African American ancestry in the NHLBI Exome Sequencing Project, indicating it is not a common benign variant in these populations. The G15R variant is a non-conservative amino acid substitution, which is likely to impact secondary protein structure as these residues differ in polarity, charge, size and/or other properties. This substitution occurs at a position that is conserved across species. In silico analysis predicts this variant is probably damaging to the protein structure/function. The G15R variant is a strong candidate for a pathogenic variant

NM_001614.5(ACTG1):c.43G>C (p.Gly15Arg)

Genes: ACTG1 (actin gamma 1; minus strand), LOC130061940 (ATAC-STARR-seq lymphoblastoid active region 12964; plus strand). Cytogenetic location: 17q25.3.
Variant type: single nucleotide variant.
Coding change: c.43G>C on transcript NM_001614.5 (MANE Select); coding-DNA position 43, G replaced by C.
Protein change: p.Gly15Arg; replaces glycine 15 with arginine.
Molecular consequence: missense variant. On other transcripts: non-coding transcript variant (1).
Genome position (GRCh38, 1-based): chr17:81,512,312, C>G on the plus strand (G>C on the coding strand, the complement: ACTG1 is on the minus strand). VCF-style: chr17-81512312-C-G. GRCh37 (hg19) VCF-style: chr17-79479338-C-G.
Other names: c.43G>C, p.Gly15Arg (NM_001199954.3); short protein forms G15R.
Identifiers: ClinVar variation 372937 (VCV000372937.1), dbSNP rs1057518086, ClinGen allele CA16043020.